The following is an entry in ClinVar:

NM_032119.4(ADGRV1):c.2848G>C (p.Gly950Arg)

Gene: ADGRV1 (adhesion G protein-coupled receptor V1; plus strand). Cytogenetic location: 5q14.3.
Variant type: single nucleotide variant.
Coding change: c.2848G>C on transcript NM_032119.4 (MANE Select); coding-DNA position 2848, G replaced by C.
Protein change: p.Gly950Arg; replaces glycine 950 with arginine.
Molecular consequence: missense variant. On other transcripts: non-coding transcript variant (1).
Genome position (GRCh38, 1-based): chr5:90,644,819, G>C. VCF-style: chr5-90644819-G-C. GRCh37 (hg19) VCF-style: chr5-89940636-G-C.
Other names: short protein forms G950R.
Identifiers: ClinVar variation 1525158 (VCV001525158.26), dbSNP rs569112173, ClinGen allele CA3339029.

ClinVar aggregate classification (germline): Conflicting classifications of pathogenicity. Review status: criteria provided, conflicting classifications (1 of 4 stars). 5 submissions from 5 submitters: Uncertain significance (4); Benign (1). Last evaluated 2026-01-17.

Conditions:
Usher syndrome type 2. Also called: Usher Syndrome Type II. Identifiers: Orphanet 231178, MedGen C0339534, MONDO:0016484.

Allele frequency attached by ClinVar (database versions not stated): gnomAD 0.00001; gnomAD exomes 0.00001 and 0.00003; ExAC 0.00002; TOPMed 0.00002; 1000 Genomes Project 30x 0.00016; 1000 Genomes Project 0.00020.
gnomAD v4.1: 15 of 1,610,030 alleles (0.00093%); highest among the groups gnomAD compares: East Asian, 0.027%; no homozygotes.

Submissions (5):

Labcorp Genetics (formerly Invitae), Labcorp
Classification: Benign. Last evaluated: 2026-01-17. Review status: criteria provided, single submitter. Criteria: Invitae Variant Classification Sherloc (09022015). Collection method: clinical testing. Allele origin: germline.

CeGaT Center for Human Genetics Tuebingen
Classification: Uncertain significance. Last evaluated: 2024-07-01. Review status: criteria provided, single submitter. Criteria: CeGaT Center For Human Genetics Tuebingen Variant Classification Criteria Version 2. Collection method: clinical testing. Allele origin: germline. Affected: yes. Observed: 1 variant allele.
Comment: ADGRV1: PM2, BP4

GeneDx
Classification: Uncertain significance. Last evaluated: 2022-08-18. Review status: criteria provided, single submitter. Criteria: GeneDx Variant Classification Process June 2021. Collection method: clinical testing. Allele origin: germline. Affected: yes.
Comment: In silico analysis supports that this missense variant has a deleterious effect on protein structure/function; Has not been previously published as pathogenic or benign to our knowledge

Blueprint Genetics
Classification: Uncertain significance. Last evaluated: 2021-10-27. Review status: criteria provided, single submitter. Criteria: ACMG Guidelines, 2015. Collection method: clinical testing. Allele origin: germline.

Department of Pathology and Laboratory Medicine, Sinai Health System
Classification: Uncertain significance for Usher syndrome type 2. Last evaluated: 2021-07-30. Review status: criteria provided, single submitter. Criteria: ACMG Guidelines, 2015. Collection method: research. Allele origin: germline.